The following is an entry in ClinVar:

NM_198525.3(KIF7):c.1109G>C (p.Ser370Thr)

Gene: KIF7 (kinesin family member 7; minus strand). Cytogenetic location: 15q26.1.
Variant type: single nucleotide variant.
Coding change: c.1109G>C on transcript NM_198525.3 (MANE Select); coding-DNA position 1109, G replaced by C.
Protein change: p.Ser370Thr; replaces serine 370 with threonine.
Molecular consequence: missense variant.
Genome position (GRCh38, 1-based): chr15:89,648,589, C>G on the plus strand (G>C on the coding strand, the complement: KIF7 is on the minus strand). VCF-style: chr15-89648589-C-G. GRCh37 (hg19) VCF-style: chr15-90191820-C-G.
Other names: short protein forms S370T.
Identifiers: ClinVar variation 1496517 (VCV001496517.6), dbSNP rs1439252969, ClinGen allele CA393772457.

ClinVar aggregate classification (germline): Uncertain significance (1 of 4 stars; one submission).

Conditions:
Acrocallosal syndrome (ACLS). Also called: HALLUX DUPLICATION, POSTAXIAL POLYDACTYLY, AND ABSENCE OF CORPUS CALLOSUM; Schinzel syndrome 1; Absence of corpus callosum with unusual facial appearance, mental deficiency, duplication of the halluces and polydactyly. Identifiers: Orphanet 36, MedGen C0796147, MONDO:0008708, OMIM 200990.

gnomAD v4.1: 1 of 1,523,494 alleles (0.000066%); highest among the groups gnomAD compares: Non-Finnish European, 0.000088%; no homozygotes.

Submission:

Labcorp Genetics (formerly Invitae), Labcorp
Classification: Uncertain significance for Acrocallosal syndrome. Last evaluated: 2021-10-13. Review status: criteria provided, single submitter. Criteria: Invitae Variant Classification Sherloc (09022015). Collection method: clinical testing. Allele origin: germline.
Comment: In summary, the available evidence is currently insufficient to determine the role of this variant in disease. Therefore, it has been classified as a Variant of Uncertain Significance. Algorithms developed to predict the effect of missense changes on protein structure and function (SIFT, PolyPhen-2, Align-GVGD) all suggest that this variant is likely to be tolerated. This variant has not been reported in the literature in individuals affected with KIF7-related conditions. The frequency data for this variant in the population databases is considered unreliable, as metrics indicate insufficient coverage at this position in the ExAC database. This sequence change replaces serine with threonine at codon 370 of the KIF7 protein (p.Ser370Thr). The serine residue is weakly conserved and there is a small physicochemical difference between serine and threonine.